The following is an entry in ClinVar:

ClinVar aggregate classification (germline): Conflicting classifications of pathogenicity. Review status: criteria provided, conflicting classifications (1 of 4 stars). 5 submissions from 5 submitters: Likely pathogenic (1); Uncertain significance (2). 2 of the submissions do not count toward it. Last evaluated 2026-03-13.

Conditions:
PSAT deficiency. Identifiers: Orphanet 284417, MedGen C1970253, MONDO:0012596, OMIM 610992.
Neu-Laxova syndrome 2. Identifiers: Orphanet 2671, Orphanet 583602, MedGen C4015019, MONDO:0014466, OMIM 616038.

Allele frequency attached by ClinVar (database versions not stated): gnomAD 0.00003; ExAC 0.00011; gnomAD exomes 0.00009; TOPMed 0.00005; ESP Exome Variant Server 0.00023.
gnomAD v4.1: 94 of 1,613,574 alleles (0.0058%); highest among the groups gnomAD compares: East Asian, 0.029%; no homozygotes.

Submissions (5):

GeneDx
Classification: Likely pathogenic. Last evaluated: 2026-03-13. Review status: criteria provided, single submitter. Criteria: GeneDx Variant Classification Process June 2021. Collection method: clinical testing. Allele origin: germline.
Comment: Reported in an adult patient with ichthyosis, contractures, and neuropathy (PMID: 34089226); Published functional studies using a yeast-based assay suggest a damaging effect on enzyme activity (PMID: 32077105); In silico analysis supports that this missense variant has a deleterious effect on protein structure/function; This variant is associated with the following publications: (PMID: 37627284, 36061210, 32077105, 34089226, 36599231, 38546032)

Labcorp Genetics (formerly Invitae), Labcorp
Classification: Uncertain significance for Neu-Laxova syndrome 2. Last evaluated: 2022-09-07. Review status: criteria provided, single submitter. Criteria: Invitae Variant Classification Sherloc (09022015). Collection method: clinical testing. Allele origin: germline.
Comment: This sequence change replaces threonine, which is neutral and polar, with methionine, which is neutral and non-polar, at codon 156 of the PSAT1 protein (p.Thr156Met). This variant is present in population databases (rs369944396, gnomAD 0.08%). This missense change has been observed in individual(s) with phosphoserine aminotransferase deficiency (PMID: 34089226). ClinVar contains an entry for this variant (Variation ID: 976941). Algorithms developed to predict the effect of missense changes on protein structure and function are either unavailable or do not agree on the potential impact of this missense change (SIFT: "Deleterious"; PolyPhen-2: "Probably Damaging"; Align-GVGD: "Class C0"). Experimental studies have shown that this missense change affects PSAT1 function (PMID: 32077105). In summary, the available evidence is currently insufficient to determine the role of this variant in disease. Therefore, it has been classified as a Variant of Uncertain Significance.

Daryl Scott Lab, Baylor College of Medicine
Classification: Uncertain significance for Neu-Laxova syndrome 2. Review status: criteria provided, single submitter. Criteria: ACMG Guidelines, 2015. Collection method: clinical testing. Allele origin: biparental. Affected: yes.
Comment: PS3_supporting, PP3

OMIM
Classification: Pathogenic for PHOSPHOSERINE AMINOTRANSFERASE DEFICIENCY. Last evaluated: 2024-04-08. Review status: no assertion criteria provided. Collection method: literature only. Allele origin: germline. Not counted in ClinVar's aggregate classification.

Dudley Research Group, Pacific Northwest Research Institute
No classification provided. Review status: no classification provided. Collection method: research, in vivo. Allele origin: unknown, not applicable. Functional consequence: loss_of_function_variant. Not counted in ClinVar's aggregate classification.

Literature cited by the submitters: PubMed 34089226 (cited by Labcorp Genetics (formerly Invitae), Labcorp and OMIM); PubMed 32077105 (cited by Labcorp Genetics (formerly Invitae), Labcorp).

NM_058179.4(PSAT1):c.467C>T (p.Thr156Met)

Gene: PSAT1 (phosphoserine aminotransferase 1; plus strand). Cytogenetic location: 9q21.2.
Variant type: single nucleotide variant.
Coding change: c.467C>T on transcript NM_058179.4 (MANE Select); coding-DNA position 467, C replaced by T.
Protein change: p.Thr156Met; replaces threonine 156 with methionine.
Molecular consequence: missense variant.
Genome position (GRCh38, 1-based): chr9:78,306,383, C>T. VCF-style: chr9-78306383-C-T. GRCh37 (hg19) VCF-style: chr9-80921299-C-T.
Other names: c.467C>T, p.Thr156Met (NM_021154.5); short protein forms T156M.
Identifiers: ClinVar variation 976941 (VCV000976941.10), dbSNP rs369944396, ClinGen allele CA5095636.
Genomic context (GRCh38, chr9:78,306,383, plus strand): 5'-ATCCAAGCACCTGGAACCTCAACCCAGATGCCTCCTACGTGTATTATTGCGCAAATGAGA[C>T]GGTGCATGGTGTGGAGTTTGACTTTATACCCGATGTCAAGGGAGCAGTACTGGTTTGTGA-3'
Protein context (NP_478059.1, residues 146-166): ASYVYYCANE[Thr156Met]VHGVEFDFIP